The following is an entry in ClinVar:

NM_001283009.2(RTEL1):c.2840A>C (p.Asn947Thr)

Genes: RTEL1 (regulator of telomere elongation helicase 1; plus strand), RTEL1-TNFRSF6B (RTEL1-TNFRSF6B readthrough (NMD candidate); plus strand). Cytogenetic location: 20q13.33.
Variant type: single nucleotide variant.
Coding change: c.2840A>C on transcript NM_001283009.2 (MANE Select); coding-DNA position 2840, A replaced by C.
Protein change: p.Asn947Thr; replaces asparagine 947 with threonine.
Molecular consequence: missense variant. On other transcripts: non-coding transcript variant (1).
Genome position (GRCh38, 1-based): chr20:63,692,992, A>C. VCF-style: chr20-63692992-A-C. GRCh37 (hg19) VCF-style: chr20-62324345-A-C.
Other names: c.2171A>C, p.Asn724Thr (NM_001283010.1); c.2840A>C, p.Asn947Thr (NM_016434.4); c.2912A>C, p.Asn971Thr (NM_032957.5); short protein forms N971T, N724T, N947T.
Identifiers: ClinVar variation 3791198 (VCV003791198.1).
Genomic context (GRCh38, chr20:63,692,992, plus strand): 5'-ACTTCGCCGCCCTGGCCGCCTGTCTCGGCCCCCTCTTTGCTGAGGACCCCAAGAAGCACA[A>C]CCTGCTCCAAGGTGCCCTGGCTTGCAGAGGCCACCCACCCTGAGGGCAGTGCTGCCGCCG-3'
Protein context (NP_001269938.1, residues 937-957): PLFAEDPKKH[Asn947Thr]LLQGFYQFVR

ClinVar aggregate classification (germline): Uncertain significance (1 of 4 stars; one submission).

Conditions:
Inborn genetic diseases. Identifiers: MedGen C0950123, MeSH D030342.

gnomAD v4.1: 1 of 1,612,396 alleles (0.000062%); no homozygotes.

Submission:

Ambry Genetics
Classification: Uncertain significance for Inborn genetic diseases. Last evaluated: 2025-03-03. Review status: criteria provided, single submitter. Criteria: Ambry Variant Classification Scheme 2023. Collection method: clinical testing. Allele origin: germline.
Comment: The p.N947T variant (also known as c.2840A>C), located in coding exon 28 of the RTEL1 gene, results from an A to C substitution at nucleotide position 2840. The asparagine at codon 947 is replaced by threonine, an amino acid with similar properties. This amino acid position is conserved. In addition, this alteration is predicted to be tolerated by in silico analysis. Based on the available evidence, the clinical significance of this variant remains unclear.